The following is an entry in ClinVar:

NM_001042492.3(NF1):c.3906del (p.Pro1303fs)

Gene: NF1 (neurofibromin 1; plus strand). Cytogenetic location: 17q11.2.
Variant type: Deletion.
Coding change: c.3906del on transcript NM_001042492.3 (MANE Select); coding-DNA position 3906, one base deleted (T; older notation c.3906delT).
Protein change: p.Pro1303fs; shifts the reading frame from proline 1303.
Molecular consequence: frameshift variant.
Genome position (GRCh38, 1-based): chr17:31,235,953, T deleted. VCF-style (leftmost placement, unchanged base first): chr17-31235952-AT-A. GRCh37 (hg19) VCF-style: chr17-29562970-AT-A.
Other names: c.3906delT, p.Pro1303Leufs (NM_000267.4); short protein forms P1303fs.
Identifiers: ClinVar variation 2020819 (VCV002020819.4), dbSNP rs2490603615, ClinGen allele CA2580093109.
Genomic context (GRCh38, chr17:31,235,952, plus strand): 5'-AAACTCCTATTCGTGCATTTCTGTAGGTATATGGTGCTACCTATCTACAAAAACTCCTGG[AT>A]CCTTTATTACGAATTGTGATCACATCCTCTGATTGGCAACATGTTAGCTTTGAAGTGGAT-3'

ClinVar aggregate classification (germline): Pathogenic (1 of 4 stars; one submission).

Conditions:
Neurofibromatosis, type 1 (NF1). Also called: NEUROFIBROMATOSIS, TYPE I, SOMATIC; Neurofibromatosis, type I; Peripheral type neurofibromatosis; VON RECKLINGHAUSEN DISEASE. Identifiers: Orphanet 636, MedGen C0027831, MONDO:0018975, OMIM 162200. Disease mechanism: loss of function.

Submission:

Labcorp Genetics (formerly Invitae), Labcorp
Classification: Pathogenic for Neurofibromatosis, type 1. Last evaluated: 2022-07-31. Review status: criteria provided, single submitter. Criteria: Invitae Variant Classification Sherloc (09022015). Collection method: clinical testing. Allele origin: germline.
Comment: This variant is not present in population databases (gnomAD no frequency). This sequence change creates a premature translational stop signal (p.Pro1303Leufs*6) in the NF1 gene. It is expected to result in an absent or disrupted protein product. Loss-of-function variants in NF1 are known to be pathogenic (PMID: 10712197, 23913538). This variant has not been reported in the literature in individuals affected with NF1-related conditions. For these reasons, this variant has been classified as Pathogenic.

Literature cited by the submitters: PubMed 10712197; PubMed 23913538.